The following is an entry in ClinVar:

ClinVar aggregate classification (germline): Uncertain significance. Review status: criteria provided, multiple submitters, no conflicts (2 of 4 stars). 3 submissions from 3 submitters: Uncertain significance (2). 1 of the submissions does not count toward it. Last evaluated 2024-10-15.

Conditions:
Retinal dystrophy. Also called: Inherited retinal dystrophy. Identifiers: Orphanet 71862, MedGen C0854723, MeSH D058499, MONDO:0019118, HP:0000556.

Allele frequency attached by ClinVar (database versions not stated): gnomAD exomes below 0.00001.
gnomAD v4.1: 3 of 1,613,844 alleles (0.00019%); highest among the groups gnomAD compares: South Asian, 0.0011%; no homozygotes.

Submissions (3):

Labcorp Genetics (formerly Invitae), Labcorp
Classification: Uncertain significance. Last evaluated: 2024-10-15. Review status: criteria provided, single submitter. Criteria: Invitae Variant Classification Sherloc (09022015). Collection method: clinical testing. Allele origin: germline.
Comment: This sequence change replaces threonine, which is neutral and polar, with alanine, which is neutral and non-polar, at codon 560 of the IMPG1 protein (p.Thr560Ala). This variant is not present in population databases (gnomAD no frequency). This variant has not been reported in the literature in individuals affected with IMPG1-related conditions. ClinVar contains an entry for this variant (Variation ID: 1011757). An algorithm developed to predict the effect of missense changes on protein structure and function (PolyPhen-2) suggests that this variant is likely to be disruptive. In summary, the available evidence is currently insufficient to determine the role of this variant in disease. Therefore, it has been classified as a Variant of Uncertain Significance.

Ambry Genetics
Classification: Uncertain significance. Last evaluated: 2024-02-05. Review status: criteria provided, single submitter. Criteria: Ambry Variant Classification Scheme 2023. Collection method: clinical testing. Allele origin: germline.

Institute of Human Genetics, Univ. Regensburg, Univ. Regensburg
Classification: Uncertain significance for Retinal dystrophy. Last evaluated: 2021-01-01. Review status: no assertion criteria provided. Criteria: ACMG Guidelines, 2015. Collection method: clinical testing. Allele origin: germline. Affected: yes. Not counted in ClinVar's aggregate classification.

NM_001563.4(IMPG1):c.1678A>G (p.Thr560Ala)

Gene: IMPG1 (interphotoreceptor matrix proteoglycan 1; minus strand). Cytogenetic location: 6q14.1.
Variant type: single nucleotide variant.
Coding change: c.1678A>G on transcript NM_001563.4 (MANE Select); coding-DNA position 1678, A replaced by G.
Protein change: p.Thr560Ala; replaces threonine 560 with alanine.
Molecular consequence: missense variant.
Genome position (GRCh38, 1-based): chr6:75,950,708, T>C on the plus strand (A>G on the coding strand, the complement: IMPG1 is on the minus strand). VCF-style: chr6-75950708-T-C. GRCh37 (hg19) VCF-style: chr6-76660425-T-C.
Other names: c.1678A>G (NM_001563.2); c.1444A>G, p.Thr482Ala (NM_001282368.2); short protein forms T482A, T560A.
Identifiers: ClinVar variation 1011757 (VCV001011757.10), dbSNP rs1782011153, ClinGen allele CA364777189.